The following continues an entry in ClinVar:

NM_007294.4(BRCA1):c.1823_1826del (p.Lys608fs)

Gene: BRCA1. ClinVar aggregate classification (germline): Pathogenic. Pathogenic (1).

Submissions 11 to 20 of 20:

GeneDx
Classification: Pathogenic. Last evaluated: 2022-12-05. Review status: criteria provided, single submitter. Criteria: GeneDx Variant Classification Process June 2021. Collection method: clinical testing. Allele origin: germline. Affected: yes. Not counted in ClinVar's aggregate classification.
Comment: Frameshift variant predicted to result in protein truncation or nonsense mediated decay in a gene for which loss of function is a known mechanism of disease; Not observed at significant frequency in large population cohorts (gnomAD); Truncating variants in this gene are considered pathogenic by a well-established clinical consortium and/or database; Also known as 1942_1945_delAGAA and 1942del4; This variant is associated with the following publications: (PMID: 17688236, 16267036, 27882536, 18465347, 29922827, 31263571, 10486320, 24504028, 9333265, 24728189, 14648706, 16287141, 28152038, 26315209, 29339979, 30720243, 14574163, 33804961, 33471991, 29446198, 31853058, 25452441)

Revvity Omics, Revvity
Classification: Pathogenic. Last evaluated: 2022-11-02. Review status: criteria provided, single submitter. Criteria: ACMG Guidelines, 2015. Collection method: clinical testing. Allele origin: germline. Not counted in ClinVar's aggregate classification.

Sema4
Classification: Pathogenic for Hereditary cancer-predisposing syndrome. Last evaluated: 2021-11-03. Review status: criteria provided, single submitter. Criteria: Sema4 Curation Guidelines. Collection method: curation. Allele origin: germline. Not counted in ClinVar's aggregate classification.
Comment: The BRCA1 c.1823_1826delAGAA (p.K608IfsX3) variant has been reported in heterozygosity in numerous individuals with hereditary breast and ovarian cancer (PMID: 10486320, 16267036, 18465347, 24504028, 24728189, 25452441, 29339979, 31263571, 33471991). This variant causes a frameshift at amino acid 608 that results in premature termination 3 amino acids downstream. At this location, this is predicted to cause nonsense-mediated decay and result in an absent protein (loss of function). Loss of function variants in BRCA1 or BRCA2 are known to be pathogenic (PMID: 29446198). This variant was observed in 1/113514 chromosomes of the Non-Finnish European subpopulation in the large and broad cohorts of the Genome Aggregation Database (PMID: 32461654). The variant has been reported in ClinVar (Variation ID 54361). Based on the current evidence available, this variant is interpreted as pathogenic.

Baylor Genetics
Classification: Pathogenic for Breast-ovarian cancer, familial, susceptibility to, 1. Last evaluated: 2021-10-16. Review status: criteria provided, single submitter. Criteria: ACMG Guidelines, 2015. Collection method: clinical testing. Allele origin: unknown. Not counted in ClinVar's aggregate classification.

Women's Health and Genetics/Laboratory Corporation of America, LabCorp
Classification: Pathogenic for Hereditary breast and ovarian cancer syndrome. Last evaluated: 2020-10-02. Review status: criteria provided, single submitter. Criteria: LabCorp Variant Classification Summary - May 2015. Collection method: clinical testing. Allele origin: germline. Not counted in ClinVar's aggregate classification.
Comment: Variant summary: BRCA1 c.1823_1826delAGAA (p.Lys608IlefsX3) results in a premature termination codon, predicted to cause a truncation of the encoded protein or absence of the protein due to nonsense mediated decay, which are commonly known mechanisms for disease. Truncations downstream of this position have been classified as pathogenic by our laboratory. The variant allele was found at a frequency of 3.9e-06 in 254132 control chromosomes. c.1823_1826delAGAA has been reported in the literature in multiple individuals affected with Hereditary Breast And Ovarian Cancer Syndrome (examples- Shattuck-Eidens_1997, Gayther_1999, Judkins_2005, Cunningham_2014, Couch_2015). These data indicate that the variant is very likely to be associated with disease. To our knowledge, no experimental evidence demonstrating an impact on protein function has been reported. Eight other ClinVar submitters, including two expert panels, (evaluation after 2014) have cited the variant as pathogenic. Based on the evidence outlined above, the variant was classified as pathogenic.

Consortium of Investigators of Modifiers of BRCA1/2 (CIMBA), c/o University of Cambridge
Classification: Pathogenic for Breast-ovarian cancer, familial, susceptibility to, 1. Last evaluated: 2015-10-02. Review status: criteria provided, single submitter. Criteria: CIMBA Mutation Classification guidelines May 2016. Collection method: clinical testing. Allele origin: germline. Not counted in ClinVar's aggregate classification.

Department of Medical Genetics, Oslo University Hospital
Classification: Pathogenic for Breast-ovarian cancer, familial, susceptibility to, 1. Last evaluated: 2015-07-31. Review status: criteria provided, single submitter. Criteria: ACMG Guidelines, 2015. Collection method: clinical testing. Allele origin: germline. Affected: yes. Observed: 1 variant allele. Not counted in ClinVar's aggregate classification.

Counsyl
Classification: Pathogenic for Breast-ovarian cancer, familial 1. Last evaluated: 2015-01-15. Review status: no assertion criteria provided. Collection method: literature only. Allele origin: unknown. Inheritance: Autosomal dominant inheritance. Not counted in ClinVar's aggregate classification.

Sharing Clinical Reports Project (SCRP)
Classification: Pathogenic for Breast-ovarian cancer, familial 1. Last evaluated: 2011-03-07. Review status: no assertion criteria provided. Collection method: clinical testing. Allele origin: germline. Not counted in ClinVar's aggregate classification.

Breast Cancer Information Core (BIC) (BRCA1)
Classification: Pathogenic for Breast-ovarian cancer, familial 1. Last evaluated: 2002-05-29. Review status: no assertion criteria provided. Collection method: clinical testing. Allele origin: germline. Affected: yes. Observed: 16 variant alleles. Not counted in ClinVar's aggregate classification.

Literature cited by the submitters: PubMed 20104584 (cited by Labcorp Genetics (formerly Invitae), Labcorp); PubMed 9333265 (cited by 5 submitters); PubMed 10486320 (cited by 6 submitters); PubMed 24504028 (cited by 5 submitters); PubMed 24728189 (cited by 4 submitters); PubMed 25452441 (cited by 4 submitters); PubMed 31263571 (cited by 5 submitters); PubMed 18465347 (cited by 3 submitters); PubMed 34981296 (cited by Quest Diagnostics Nichols Institute San Juan Capistrano); PubMed 34887416 (cited by Quest Diagnostics Nichols Institute San Juan Capistrano); PubMed 26295337 (cited by Quest Diagnostics Nichols Institute San Juan Capistrano); PubMed 27882536 (cited by Ambry Genetics); PubMed 29339979 (cited by Ambry Genetics and Sema4); PubMed 29446198 (cited by Ambry Genetics and Sema4); PubMed 33471991 (cited by Color Diagnostics, LLC DBA Color Health and Sema4); PubMed 16267036 (cited by Sema4 and Women's Health and Genetics/Laboratory Corporation of America, LabCorp); PubMed 16774946 (cited by Women's Health and Genetics/Laboratory Corporation of America, LabCorp).